The following is an entry in ClinVar:

ClinVar aggregate classification (germline): Uncertain significance (1 of 4 stars; one submission).

Conditions:
RNF213-related disorder. Also called: RNF213-related condition.

Submission:

PreventionGenetics, part of Exact Sciences
Classification: Uncertain significance for RNF213-related condition. Last evaluated: 2026-06-05. Review status: criteria provided, single submitter. Criteria: ACMG Guidelines, 2015. Collection method: clinical testing. Allele origin: germline.
Comment: The RNF213 c.12284_12285delTC variant is predicted to result in a frameshift and premature protein termination (p.Leu4095Profs*17). To our knowledge, this variant has not been reported in the literature. This variant is reported in 0.0031% of alleles in individuals of European (Non-Finnish) descent in gnomAD. At this time, the clinical significance of this variant is uncertain due to the absence of conclusive functional and genetic evidence.

NM_001256071.3(RNF213):c.12284_12285del (p.Leu4095fs)

Genes: RNF213 (ring finger protein 213; plus strand), RNF213-AS1 (RNF213 antisense RNA 1; minus strand). Cytogenetic location: 17q25.3.
Variant type: Microsatellite.
Coding change: c.12284_12285del on transcript NM_001256071.3 (MANE Select); coding-DNA positions 12284 to 12285, 2 bases deleted (TC; older notation c.12284_12285delTC).
Protein change: p.Leu4095fs; shifts the reading frame from leucine 4095.
Molecular consequence: frameshift variant.
Genome position (GRCh38, 1-based): chr17:80,369,630-80,369,631, TC deleted; deleting any 2 consecutive bases within chr17:80,369,623-80,369,631 gives the same sequence; the c. name uses the placement nearest the transcript's 3' end. VCF-style (leftmost placement, unchanged base first): chr17-80369622-GCT-G. GRCh37 (hg19) VCF-style: chr17-78343422-GCT-G.
Other names: c.12431_12432del, p.Leu4144fs (NM_001410195.1, NM_020914.5); short protein forms L4095fs, L4144fs.
Identifiers: ClinVar variation 4988435 (VCV004988435.1).